The following is an entry in ClinVar:

ClinVar aggregate classification (germline): Uncertain significance (1 of 4 stars; one submission).

Conditions:
Neuronopathy, distal hereditary motor, type 5C. Also called: NEURONOPATHY, DISTAL HEREDITARY MOTOR, AUTOSOMAL DOMINANT 13; NEURONOPATHY, DISTAL HEREDITARY MOTOR, HARDING TYPE VC; NEUROPATHY, DISTAL HEREDITARY MOTOR, HARDING TYPE VC; SPINAL MUSCULAR ATROPHY, DISTAL, HARDING TYPE VC; DHMN VC. Identifiers: MedGen C5436838, MONDO:0030860, OMIM 619112.

Submission:

MGZ Medical Genetics Center
Classification: Uncertain significance for Neuronopathy, distal hereditary motor, type 5C. Last evaluated: 2021-10-18. Review status: criteria provided, single submitter. Criteria: ACMG Guidelines, 2015. Collection method: clinical testing. Allele origin: germline. Affected: yes. Observed: 1 variant allele.
Comment: ACMG criteria applied: PM2_SUP, PP3

NM_001122955.4(BSCL2):c.259C>T (p.Arg87Cys)

Genes: BSCL2 (BSCL2 lipid droplet biogenesis associated, seipin; minus strand), HNRNPUL2-BSCL2 (HNRNPUL2-BSCL2 readthrough (NMD candidate); minus strand). Cytogenetic location: 11q12.3.
Variant type: single nucleotide variant.
Coding change: c.259C>T on transcript NM_001122955.4 (MANE Select); coding-DNA position 259, C replaced by T.
Protein change: p.Arg87Cys; replaces arginine 87 with cysteine.
Molecular consequence: missense variant. On other transcripts: non-coding transcript variant (1).
Genome position (GRCh38, 1-based): chr11:62,705,446, G>A on the plus strand (C>T on the coding strand, the complement: BSCL2 is on the minus strand). VCF-style: chr11-62705446-G-A. GRCh37 (hg19) VCF-style: chr11-62472918-G-A.
Other names: c.67C>T, p.Arg23Cys (NM_001130702.2, NM_032667.6); c.259C>T, p.Arg87Cys (NM_001386027.1, NM_001386028.1); short protein forms R23C, R87C.
Identifiers: ClinVar variation 1710041 (VCV001710041.2), dbSNP rs2539182112, ClinGen allele CA380970705.